The following is an entry in ClinVar:

ClinVar aggregate classification (germline): Pathogenic (1 of 4 stars; one submission).

Conditions:
Inborn genetic diseases. Identifiers: MedGen C0950123, MeSH D030342.

Submission:

Ambry Genetics
Classification: Pathogenic for Inborn genetic diseases. Last evaluated: 2021-09-16. Review status: criteria provided, single submitter. Criteria: Ambry Variant Classification Scheme 2023. Collection method: clinical testing. Allele origin: germline.
Comment: The c.25_37del13 (p.R9Sfs*96) alteration, located in exon 1 (coding exon 1) of the COLGALT1 gene, consists of a deletion of 13 nucleotides from position 25 to 37, causing a translational frameshift with a predicted alternate stop codon after 96 amino acids. This alteration is expected to result in loss of function by premature protein truncation or nonsense-mediated mRNA decay. This variant was not reported in population-based cohorts in the Genome Aggregation Database (gnomAD). Based on the available evidence, this alteration is classified as pathogenic.

NM_024656.4(COLGALT1):c.25_37del (p.Arg9fs)

Genes: COLGALT1 (collagen beta(1-O)galactosyltransferase 1; plus strand), LOC130063952 (ATAC-STARR-seq lymphoblastoid silent region 10355; plus strand). Cytogenetic location: 19p13.11.
Variant type: Deletion.
Coding change: c.25_37del on transcript NM_024656.4 (MANE Select); coding-DNA positions 25 to 37, 13 bases deleted (CGGCGGCGCGGGC).
Protein change: p.Arg9fs; shifts the reading frame from arginine 9.
Molecular consequence: frameshift variant.
Genome position (GRCh38, 1-based): chr19:17,555,738-17,555,750, CGGCGGCGCGGGC deleted; deleting any 13 consecutive bases within chr19:17,555,730-17,555,750 gives the same sequence; the c. name uses the placement nearest the transcript's 3' end. VCF-style (leftmost placement, unchanged base first): chr19-17555729-CGCGCGGGCCGGCG-C. GRCh37 (hg19) VCF-style: chr19-17666538-CGCGCGGGCCGGCG-C.
Other names: short protein forms R9fs.
Identifiers: ClinVar variation 2243995 (VCV002243995.2), dbSNP rs2076205946, ClinGen allele CA994115125.